The following is an entry in ClinVar:

NM_006796.3(AFG3L2):c.1780G>A (p.Val594Ile)

Gene: AFG3L2 (AFG3 like matrix AAA peptidase subunit 2; minus strand). Cytogenetic location: 18p11.21.
Variant type: single nucleotide variant.
Coding change: c.1780G>A on transcript NM_006796.3 (MANE Select); coding-DNA position 1780, G replaced by A.
Protein change: p.Val594Ile; replaces valine 594 with isoleucine.
Molecular consequence: missense variant.
Genome position (GRCh38, 1-based): chr18:12,340,401, C>T on the plus strand (G>A on the coding strand, the complement: AFG3L2 is on the minus strand). VCF-style: chr18-12340401-C-T. GRCh37 (hg19) VCF-style: chr18-12340400-C-T.
Other names: short protein forms V594I.
Identifiers: ClinVar variation 392494 (VCV000392494.2), dbSNP rs1057524515, ClinGen allele CA16608709.

ClinVar aggregate classification (germline): Uncertain significance (1 of 4 stars; one submission).

Allele frequency attached by ClinVar (database versions not stated): gnomAD exomes 0.00001.
gnomAD v4.1: 3 of 1,611,904 alleles (0.00019%); highest among the groups gnomAD compares: South Asian, 0.0022%; 1 homozygote.

Submission:

GeneDx
Classification: Uncertain significance. Last evaluated: 2017-01-10. Review status: criteria provided, single submitter. Criteria: GeneDx Variant Classification (06012015). Collection method: clinical testing. Allele origin: germline. Affected: yes.
Comment: The V594I variant has not been published as a pathogenic variant, nor has it been reported as a benign variant to our knowledge. The V594I variant was not observed in approximately 6500 individuals of European and African American ancestry in the NHLBI Exome Sequencing Project, indicating it is not a common benign variant in these populations. The V594I variant is a conservative amino acid substitution, which is not likely to impact secondary protein structure as these residues share similar properties. This substitution occurs at a position that is conserved across species. In silico analysis is inconsistent in its predictions as to whether or not the variant is damaging to the protein structure/function. In summary, based on the currently available information, it is unclear whether this variant is a pathogenic variant or a rare benign variant.